The following is an entry in ClinVar:

NM_001365536.1(SCN9A):c.3397C>A (p.Pro1133Thr)

Genes: SCN9A (sodium voltage-gated channel alpha subunit 9; minus strand), SCN1A-AS1 (SCN1A and SCN9A antisense RNA 1; plus strand). Cytogenetic location: 2q24.3.
Variant type: single nucleotide variant.
Coding change: c.3397C>A on transcript NM_001365536.1 (MANE Select); coding-DNA position 3397, C replaced by A.
Protein change: p.Pro1133Thr; replaces proline 1133 with threonine.
Molecular consequence: missense variant. On other transcripts: non-coding transcript variant (1).
Genome position (GRCh38, 1-based): chr2:166,251,840, G>T on the plus strand (C>A on the coding strand, the complement: SCN9A is on the minus strand). VCF-style: chr2-166251840-G-T. GRCh37 (hg19) VCF-style: chr2-167108350-G-T.
Other names: c.3364C>A, p.Pro1122Thr (NM_002977.4); short protein forms P1133T, P1122T.
Identifiers: ClinVar variation 2946468 (VCV002946468.3), dbSNP rs761748478, ClinGen allele CA1944070.

ClinVar aggregate classification (germline): Uncertain significance (1 of 4 stars; one submission).

Conditions:
Neuropathy, hereditary sensory and autonomic, type 2A (HSAN2A). Also called: HSAN IIA; WNK1-Related HSAN2 (HSAN2A); ACROOSTEOLYSIS, GIACCAI TYPE; ACROOSTEOLYSIS, NEUROGENIC; MORVAN DISEASE; NEUROPATHY, CONGENITAL SENSORY. Identifiers: Orphanet 970, MedGen C2752089, MONDO:0024309, OMIM 201300.
Generalized epilepsy with febrile seizures plus, type 7 (GEFSP7). Also called: GEFS+, TYPE 7. Identifiers: Orphanet 36387, MedGen C2751778, MONDO:0013470, OMIM 613863.

Allele frequency attached by ClinVar (database versions not stated): ExAC 0.00002; gnomAD 0.00002; TOPMed 0.00002.
gnomAD v4.1: 6 of 1,612,410 alleles (0.00037%); highest among the groups gnomAD compares: African/African-American, 0.0053%; no homozygotes.

Submission:

Labcorp Genetics (formerly Invitae), Labcorp
Classification: Uncertain significance for Neuropathy, hereditary sensory and autonomic, type 2A; Generalized epilepsy with febrile seizures plus, type 7. Last evaluated: 2024-08-05. Review status: criteria provided, single submitter. Criteria: Invitae Variant Classification Sherloc (09022015). Collection method: clinical testing. Allele origin: germline.
Comment: This sequence change replaces proline, which is neutral and non-polar, with threonine, which is neutral and polar, at codon 1122 of the SCN9A protein (p.Pro1122Thr). This variant is present in population databases (rs761748478, gnomAD 0.003%). This variant has not been reported in the literature in individuals affected with SCN9A-related conditions. Advanced modeling of protein sequence and biophysical properties (such as structural, functional, and spatial information, amino acid conservation, physicochemical variation, residue mobility, and thermodynamic stability) performed at Invitae indicates that this missense variant is not expected to disrupt SCN9A protein function with a negative predictive value of 95%. In summary, the available evidence is currently insufficient to determine the role of this variant in disease. Therefore, it has been classified as a Variant of Uncertain Significance.